The following is an entry in ClinVar:

ClinVar aggregate classification (germline): Uncertain significance (1 of 4 stars; one submission).

Submission:

Labcorp Genetics (formerly Invitae), Labcorp
Classification: Uncertain significance. Last evaluated: 2022-11-15. Review status: criteria provided, single submitter. Criteria: Invitae Variant Classification Sherloc (09022015). Collection method: clinical testing. Allele origin: germline.
Comment: This variant has not been reported in the literature in individuals affected with IFT81-related conditions. ClinVar contains an entry for this variant (Variation ID: 1352550). Variants that disrupt the consensus splice site are a relatively common cause of aberrant splicing (PMID: 17576681, 9536098). Algorithms developed to predict the effect of sequence changes on RNA splicing suggest that this variant is not likely to affect RNA splicing. In summary, the available evidence is currently insufficient to determine the role of this variant in disease. Therefore, it has been classified as a Variant of Uncertain Significance. This sequence change falls in intron 2 of the IFT81 gene. It does not directly change the encoded amino acid sequence of the IFT81 protein. It affects a nucleotide within the consensus splice site. This variant is not present in population databases (gnomAD no frequency).

Literature cited by the submitters: PubMed 17576681; PubMed 9536098.

NM_014055.4(IFT81):c.144+6A>T

Gene: IFT81 (intraflagellar transport 81; plus strand). Cytogenetic location: 12q24.11.
Variant type: single nucleotide variant.
Coding change: c.144+6A>T on transcript NM_014055.4 (MANE Select); 6 bases into the intron after coding-DNA position 144, A replaced by T.
Molecular consequence: intron variant.
Genome position (GRCh38, 1-based): chr12:110,127,530, A>T. VCF-style: chr12-110127530-A-T. GRCh37 (hg19) VCF-style: chr12-110565335-A-T.
Other names: c.-623+6A>T (NM_001347948.2, NM_001347947.2); c.144+6A>T (NM_001143779.2, NM_031473.4, NM_001347946.2).
Identifiers: ClinVar variation 1352550 (VCV001352550.6), dbSNP rs1347204320, ClinGen allele CA2573147970.